The following is an entry in ClinVar:

ClinVar aggregate classification (germline): Likely pathogenic. Review status: criteria provided, multiple submitters, no conflicts (2 of 4 stars). 3 submissions from 3 submitters: Likely pathogenic (3). Last evaluated 2026-04-02.

Conditions:
Hereditary cancer-predisposing syndrome. Also called: Neoplastic Syndromes, Hereditary; Tumor predisposition; Hereditary Cancer Syndrome; Hereditary neoplastic syndrome. Identifiers: Orphanet 140162, MedGen C0027672, MeSH D009386, MONDO:0015356.
Familial cancer of breast. Also called: Hereditary breast cancer; hereditary breast carcinoma; BREAST CANCER, FAMILIAL. Identifiers: Orphanet 227535, MedGen C0346153, MONDO:0016419, OMIM 114480. Disease mechanism: loss of function.

Submissions (3):

Ambry Genetics
Classification: Likely pathogenic for Hereditary cancer-predisposing syndrome. Last evaluated: 2026-04-02. Review status: criteria provided, single submitter. Criteria: Ambry Variant Classification Scheme 2023. Collection method: clinical testing. Allele origin: germline.
Comment: The c.683+2T>G intronic variant results from a T to G substitution two nucleotides after coding exon 4 in the CHEK2 gene. This variant is considered to be rare based on population cohorts in the Genome Aggregation Database (gnomAD). This nucleotide position is highly conserved in available vertebrate species. In silico splice site analysis predicts that this alteration will weaken the native splice donor site. Variants that disrupt the canonical splice site are expected to cause aberrant splicing, resulting in an abnormal protein or a transcript that is subject to nonsense-mediated mRNA decay. As such, this variant is classified as likely pathogenic.

Labcorp Genetics (formerly Invitae), Labcorp
Classification: Likely pathogenic for Familial cancer of breast. Last evaluated: 2025-03-21. Review status: criteria provided, single submitter. Criteria: Invitae Variant Classification Sherloc (09022015). Collection method: clinical testing. Allele origin: germline.
Comment: This sequence change affects a donor splice site in intron 5 of the CHEK2 gene. RNA analysis indicates that disruption of this splice site induces altered splicing and may result in an absent or altered protein product. This variant is not present in population databases (gnomAD no frequency). Disruption of this splice site has been observed in individual(s) with breast and/or uterine (PMID: 32885271, 38091153). ClinVar contains an entry for this variant (Variation ID: 2049198). Studies have shown that disruption of this splice site results in skipping of exon 5, and produces a non-functional protein and/or introduces a premature termination codon (internal data). In summary, the currently available evidence indicates that the variant is pathogenic, but additional data are needed to prove that conclusively. Therefore, this variant has been classified as Likely Pathogenic.

Myriad Genetics, Inc.
Classification: Likely pathogenic for Familial cancer of breast. Last evaluated: 2023-06-26. Review status: criteria provided, single submitter. Criteria: Myriad Autosomal Dominant, Autosomal Recessive and X-Linked Classification Criteria (2023). Collection method: clinical testing. Allele origin: unknown.
Comment: This variant is considered likely pathogenic. This variant occurs within a consensus splice junction and is predicted to result in abnormal mRNA splicing of either an out-of-frame exon or an in-frame exon necessary for protein stability and/or normal function.

Literature cited by the submitters: PubMed 32885271 (cited by Labcorp Genetics (formerly Invitae), Labcorp); PubMed 38091153 (cited by Labcorp Genetics (formerly Invitae), Labcorp).

NM_007194.4(CHEK2):c.683+2T>G

Gene: CHEK2 (checkpoint kinase 2; minus strand). Cytogenetic location: 22q12.1.
Variant type: single nucleotide variant.
Coding change: c.683+2T>G on transcript NM_007194.4 (MANE Select); the canonical splice donor site of the intron after coding-DNA position 683, T replaced by G.
Molecular consequence: splice donor variant. On other transcripts: intron variant (1).
Genome position (GRCh38, 1-based): chr22:28,719,393, A>C on the plus strand (T>G on the coding strand, the complement: CHEK2 is on the minus strand). VCF-style: chr22-28719393-A-C. GRCh37 (hg19) VCF-style: chr22-29115381-A-C.
Other names: c.683+2T>G (NM_007194.3, NM_145862.3); c.20+2T>G (NM_001437942.1, NM_001257387.3); c.482+5493T>G (NM_001349956.3); c.776+2T>G (NM_001438295.1, NM_001438293.1); c.812+2T>G (NM_001438294.1, NM_001005735.3).
Identifiers: ClinVar variation 2049198 (VCV002049198.7), dbSNP rs781021132, ClinGen allele CA411104813.